The following is an entry in ClinVar:

ClinVar aggregate classification (germline): Likely benign (1 of 4 stars; one submission).

Conditions:
ADCY3-related disorder. Also called: ADCY3-related condition.

gnomAD v4.1: 4 of 1,613,724 alleles (0.00025%); highest among the groups gnomAD compares: Non-Finnish European, 0.00034%; no homozygotes.

Submission:

PreventionGenetics, part of Exact Sciences
Classification: Likely benign for ADCY3-related condition. Last evaluated: 2025-08-13. Review status: criteria provided, single submitter. Criteria: ACMG Guidelines, 2015. Collection method: clinical testing. Allele origin: germline.
Comment: This variant is classified as likely benign based on ACMG/AMP sequence variant interpretation guidelines (Richards et al. 2015 PMID: 25741868, with internal and published modifications).

NM_004036.5(ADCY3):c.1362G>T (p.Val454=)

Gene: ADCY3 (adenylate cyclase 3; minus strand). Cytogenetic location: 2p23.3.
Variant type: single nucleotide variant.
Coding change: c.1362G>T on transcript NM_004036.5 (MANE Select); coding-DNA position 1362, G replaced by T.
Protein change: p.Val454=; no amino-acid change (valine 454 retained).
Molecular consequence: synonymous variant.
Genome position (GRCh38, 1-based): chr2:24,838,616, C>A on the plus strand (G>T on the coding strand, the complement: ADCY3 is on the minus strand). VCF-style: chr2-24838616-C-A. GRCh37 (hg19) VCF-style: chr2-25061485-C-A.
Other names: c.1362G>T, p.Val454= (NM_001320613.2, NM_001377129.1, NM_001377130.1 and 1 more transcripts); c.1428G>T, p.Val476= (NM_001377128.1); c.639G>T, p.Val213= (NM_001377131.1).
Identifiers: ClinVar variation 4991394 (VCV004991394.1).